The following is an entry in ClinVar:

NM_016247.4(IMPG2):c.3236G>A (p.Cys1079Tyr)

Gene: IMPG2 (interphotoreceptor matrix proteoglycan 2; minus strand). Cytogenetic location: 3q12.3.
Variant type: single nucleotide variant.
Coding change: c.3236G>A on transcript NM_016247.4 (MANE Select); coding-DNA position 3236, G replaced by A.
Protein change: p.Cys1079Tyr; replaces cysteine 1079 with tyrosine.
Molecular consequence: missense variant.
Genome position (GRCh38, 1-based): chr3:101,231,143, C>T on the plus strand (G>A on the coding strand, the complement: IMPG2 is on the minus strand). VCF-style: chr3-101231143-C-T. GRCh37 (hg19) VCF-style: chr3-100949987-C-T.
Other names: short protein forms C1079Y.
Identifiers: ClinVar variation 1394312 (VCV001394312.6), dbSNP rs2107205979, ClinGen allele CA353849276.

ClinVar aggregate classification (germline): Uncertain significance (1 of 4 stars; one submission).

Submission:

Labcorp Genetics (formerly Invitae), Labcorp
Classification: Uncertain significance. Last evaluated: 2021-11-21. Review status: criteria provided, single submitter. Criteria: Invitae Variant Classification Sherloc (09022015). Collection method: clinical testing. Allele origin: germline.
Comment: This sequence change replaces cysteine, which is neutral and slightly polar, with tyrosine, which is neutral and polar, at codon 1079 of the IMPG2 protein (p.Cys1079Tyr). This variant is not present in population databases (gnomAD no frequency). In summary, the available evidence is currently insufficient to determine the role of this variant in disease. Therefore, it has been classified as a Variant of Uncertain Significance. Algorithms developed to predict the effect of missense changes on protein structure and function (SIFT, PolyPhen-2, Align-GVGD) all suggest that this variant is likely to be disruptive. This variant has not been reported in the literature in individuals affected with IMPG2-related conditions.